The following is an entry in ClinVar:

ClinVar aggregate classification (germline): Uncertain significance. Review status: criteria provided, multiple submitters, no conflicts (2 of 4 stars). 2 submissions from 2 submitters: Uncertain significance (2). Last evaluated 2021-12-16.

Conditions:
Pitt-Hopkins-like syndrome 2 (PTHSL2). Identifiers: Orphanet 221150, Orphanet 600663, MedGen C3280479, MONDO:0013690, OMIM 614325.

Submissions (2):

Labcorp Genetics (formerly Invitae), Labcorp
Classification: Uncertain significance for Pitt-Hopkins-like syndrome 2. Last evaluated: 2021-12-16. Review status: criteria provided, single submitter. Criteria: Invitae Variant Classification Sherloc (09022015). Collection method: clinical testing. Allele origin: germline.
Comment: This sequence change replaces proline, which is neutral and non-polar, with alanine, which is neutral and non-polar, at codon 637 of the NRXN1 protein (p.Pro637Ala). This variant has not been reported in the literature in individuals affected with NRXN1-related conditions. This variant is not present in population databases (gnomAD no frequency). ClinVar contains an entry for this variant (Variation ID: 497140). In summary, the available evidence is currently insufficient to determine the role of this variant in disease. Therefore, it has been classified as a Variant of Uncertain Significance. Algorithms developed to predict the effect of missense changes on protein structure and function (SIFT, PolyPhen-2, Align-GVGD) all suggest that this variant is likely to be tolerated.

Eurofins Ntd Llc (ga)
Classification: Uncertain significance. Last evaluated: 2016-10-14. Review status: criteria provided, single submitter. Criteria: EGL Classification Definitions 2015. Collection method: clinical testing. Allele origin: germline. Observed: 1 variant allele, 1 heterozygote.

NM_001330078.2(NRXN1):c.1789C>G (p.Pro597Ala)

Gene: NRXN1 (neurexin 1; minus strand). Cytogenetic location: 2p16.3.
Variant type: single nucleotide variant.
Coding change: c.1789C>G on transcript NM_001330078.2 (MANE Select); coding-DNA position 1789, C replaced by G.
Protein change: p.Pro597Ala; replaces proline 597 with alanine.
Molecular consequence: missense variant.
Genome position (GRCh38, 1-based): chr2:50,538,607, G>C on the plus strand (C>G on the coding strand, the complement: NRXN1 is on the minus strand). VCF-style: chr2-50538607-G-C. GRCh37 (hg19) VCF-style: chr2-50765745-G-C.
Other names: c.1909C>G, p.Pro637Ala (NM_001135659.3); c.1765C>G, p.Pro589Ala (NM_001330077.2, NM_001330082.2, NM_001330095.2); c.1750C>G, p.Pro584Ala (NM_001330083.2, NM_001330084.2); c.1789C>G, p.Pro597Ala (NM_001330085.2, NM_001330086.2, NM_004801.6); c.1705C>G, p.Pro569Ala (NM_001330087.2, NM_001330096.2); c.1735C>G, p.Pro579Ala (NM_001330088.2); c.1786C>G, p.Pro596Ala (NM_001330093.2); c.1777C>G, p.Pro593Ala (NM_001330094.2); short protein forms P637A, P579A, P589A, P584A, P596A, P569A, P593A, P597A.
Identifiers: ClinVar variation 497140 (VCV000497140.9), dbSNP rs1553760276, ClinGen allele CA346771423.